The following is an entry in ClinVar:

NM_000038.6(APC):c.2627G>C (p.Arg876Pro)

Gene: APC (APC regulator of Wnt signaling pathway; plus strand). Cytogenetic location: 5q22.2.
Variant type: single nucleotide variant.
Coding change: c.2627G>C on transcript NM_000038.6 (MANE Select); coding-DNA position 2627, G replaced by C.
Protein change: p.Arg876Pro; replaces arginine 876 with proline.
Molecular consequence: missense variant.
Genome position (GRCh38, 1-based): chr5:112,838,221, G>C. VCF-style: chr5-112838221-G-C. GRCh37 (hg19) VCF-style: chr5-112173918-G-C.
Other names: c.2627G>C, p.Arg876Pro (NM_001127510.3, NM_001354895.2); c.2573G>C, p.Arg858Pro (NM_001127511.3); c.2681G>C, p.Arg894Pro (NM_001354896.2); c.2657G>C, p.Arg886Pro (NM_001354897.2); c.2552G>C, p.Arg851Pro (NM_001354898.2); c.2543G>C, p.Arg848Pro (NM_001354899.2); c.2504G>C, p.Arg835Pro (NM_001354900.2); c.2450G>C, p.Arg817Pro (NM_001354901.2); and 5 more; short protein forms R716P, R817P, R876P, R886P, R775P, R835P, R785P, R593P.
Identifiers: ClinVar variation 921047 (VCV000921047.7), dbSNP rs373428732, ClinGen allele CA16027078.
Genomic context (GRCh38, chr5:112,838,221, plus strand): 5'-GCGGAATTGGTCTAGGCAACTACCATCCAGCAACAGAAAATCCAGGAACTTCTTCAAAGC[G>C]AGGTTTGCAGATCTCCACCACTGCAGCCCAGATTGCCAAAGTCATGGAAGAAGTGTCAGC-3'
Protein context (NP_000029.2, residues 866-886): ATENPGTSSK[Arg876Pro]GLQISTTAAQ

ClinVar aggregate classification (germline): Uncertain significance. Review status: criteria provided, multiple submitters, no conflicts (2 of 4 stars). 2 submissions from 2 submitters: Uncertain significance (2). Last evaluated 2022-03-13.

Conditions:
Hereditary cancer-predisposing syndrome. Also called: Neoplastic Syndromes, Hereditary; Tumor predisposition; Hereditary Cancer Syndrome; Hereditary neoplastic syndrome. Identifiers: Orphanet 140162, MedGen C0027672, MeSH D009386, MONDO:0015356.
Familial adenomatous polyposis 1 (FAP1). Also called: FAMILIAL ADENOMATOUS POLYPOSIS 1, ATTENUATED; POLYPOSIS, ADENOMATOUS INTESTINAL. Identifiers: MedGen C2713442, MONDO:0021056, OMIM 175100. Disease mechanism: loss of function.

gnomAD v4.1: 3 of 1,614,100 alleles (0.00019%); highest among the groups gnomAD compares: Non-Finnish European, 0.00025%; no homozygotes.

Submissions (2):

Labcorp Genetics (formerly Invitae), Labcorp
Classification: Uncertain significance for Familial adenomatous polyposis 1. Last evaluated: 2022-03-13. Review status: criteria provided, single submitter. Criteria: Invitae Variant Classification Sherloc (09022015). Collection method: clinical testing. Allele origin: germline.
Comment: In summary, the available evidence is currently insufficient to determine the role of this variant in disease. Therefore, it has been classified as a Variant of Uncertain Significance. Algorithms developed to predict the effect of missense changes on protein structure and function are either unavailable or do not agree on the potential impact of this missense change (SIFT: "Deleterious"; PolyPhen-2: "Probably Damaging"; Align-GVGD: "Class C0"). ClinVar contains an entry for this variant (Variation ID: 921047). This variant has not been reported in the literature in individuals affected with APC-related conditions. This variant is not present in population databases (gnomAD no frequency). This sequence change replaces arginine, which is basic and polar, with proline, which is neutral and non-polar, at codon 876 of the APC protein (p.Arg876Pro).

Color Diagnostics, LLC DBA Color Health
Classification: Uncertain significance for Hereditary cancer-predisposing syndrome. Last evaluated: 2019-04-18. Review status: criteria provided, single submitter. Criteria: ACMG Guidelines, 2015. Collection method: clinical testing. Allele origin: germline.